The following is an entry in ClinVar:

ClinVar aggregate classification (germline): Benign. Review status: reviewed by expert panel (3 of 4 stars). 5 submissions from 5 submitters: Benign (1). 4 of the submissions do not count toward it. Last evaluated 2025-08-01.

Conditions:
RPGR-related disorder. Also called: RPGR-related condition.
RPGR-related retinopathy. Also called: RPGR retinopathy. Identifiers: MedGen CN305589, MONDO:0100437.
Primary ciliary dyskinesia. Also called: Ciliary dyskinesia. Identifiers: Orphanet 244, MedGen C0008780, MONDO:0016575, HP:0012265.

Allele frequency attached by ClinVar (database versions not stated): gnomAD exomes 0.00024 and 0.00041; gnomAD 0.00035 and 0.00037; TOPMed 0.00035; ESP Exome Variant Server 0.00038; ExAC 0.00054.
gnomAD v4.1: 313 of 1,189,793 alleles (0.026%); highest among the groups gnomAD compares: Middle Eastern, 0.14%; no homozygotes.

Submissions (5):

ClinGen X-linked Inherited Retinal Disease Variant Curation Expert Panel, ClinGen
Classification: Benign for RPGR-related retinopathy. Last evaluated: 2025-08-01. Review status: reviewed by expert panel. Criteria: ClinGen X LinkedIRD ACMG Specifications RPGR V1.0.0. Collection method: curation. Allele origin: germline. Inheritance: X-linked inheritance.
Comment: NM_001034853.2(RPGR): c.1059+6G>A an intron 9 variant located six nucleotides after exon 9. This variant is present in gnomAD v4.1.0 at a frequency of 0.0002996 among hemizygous individuals, with 114 variant alleles / 380,467 total alleles, which is higher than the ClinGen X-linked IRD VCEP BA1 threshold of >0.00005 (BA1). The splicing impact predictor SpliceAI gives a delta score of 0.01, which is below the ClinGen X-linked IRD VCEP recommended threshold of <0.1 and does not strongly predict an impact on splicing (BP4). In summary, this variant is classified as benign for RPGR-related retinopathy based on the ClinGen X-linked Inherited Retinal Disease Expert Panel Specifications to the ACMG/AMP Variant Interpretation Guidelines for RPGR Version 1.0.0; BA1 and BP4. (date of approval 05/16/2025).

PreventionGenetics, part of Exact Sciences
Classification: Benign for RPGR-related condition. Last evaluated: 2026-04-13. Review status: criteria provided, single submitter. Criteria: ACMG Guidelines, 2015. Collection method: clinical testing. Allele origin: germline. Not counted in ClinVar's aggregate classification.
Comment: This variant is classified as benign based on ACMG/AMP sequence variant interpretation guidelines (Richards et al. 2015 PMID: 25741868, with internal and published modifications).

Labcorp Genetics (formerly Invitae), Labcorp
Classification: Benign for Primary ciliary dyskinesia. Last evaluated: 2026-01-26. Review status: criteria provided, single submitter. Criteria: Invitae Variant Classification Sherloc (09022015). Collection method: clinical testing. Allele origin: germline. Not counted in ClinVar's aggregate classification.

CeGaT Center for Human Genetics Tuebingen
Classification: Likely benign. Last evaluated: 2025-12-01. Review status: criteria provided, single submitter. Criteria: CeGaT Center For Human Genetics Tuebingen Variant Classification Criteria Version 2. Collection method: clinical testing. Allele origin: germline. Affected: yes. Observed: 3 variant alleles. Not counted in ClinVar's aggregate classification.
Comment: RPGR: BP4

Blueprint Genetics
Classification: Likely benign. Last evaluated: 2024-07-03. Review status: criteria provided, single submitter. Criteria: ACMG Guidelines, 2015. Collection method: clinical testing. Allele origin: germline. Not counted in ClinVar's aggregate classification.

NM_001034853.2(RPGR):c.1059+6G>A

Gene: RPGR (retinitis pigmentosa GTPase regulator; minus strand). Cytogenetic location: Xp11.4.
Variant type: single nucleotide variant.
Coding change: c.1059+6G>A on transcript NM_001034853.2 (MANE Select); 6 bases into the intron after coding-DNA position 1059, G replaced by A.
Molecular consequence: intron variant.
Genome position (GRCh38, 1-based): chrX:38,301,241, C>T on the plus strand (G>A on the coding strand, the complement: RPGR is on the minus strand). VCF-style: chrX-38301241-C-T. GRCh37 (hg19) VCF-style: chrX-38160494-C-T.
Other names: c.1056+6G>A (NM_001367249.1, NM_001367250.1, NM_001367245.1); c.1059+6G>A (NM_001367251.1, NM_001367246.1, NM_001367247.1 and 2 more transcripts); c.1089+6G>A (NM_001367248.1).
Identifiers: ClinVar variation 255828 (VCV000255828.39), dbSNP rs377731326, ClinGen allele CA10385560.